The following is an entry in ClinVar:

ClinVar aggregate classification (germline): Benign/Likely benign. Review status: criteria provided, multiple submitters, no conflicts (2 of 4 stars). 6 submissions from 6 submitters: Benign (2); Likely benign (4). Last evaluated 2026-01-31.

Conditions:
Fucosidosis. Also called: ALPHA-L-FUCOSIDASE DEFICIENCY. Identifiers: Orphanet 349, MedGen C0016788, MONDO:0009254, OMIM 230000.

Allele frequency attached by ClinVar (database versions not stated): gnomAD exomes 0.00096 and 0.00210; ExAC 0.00727; gnomAD 0.00913 and 0.00982; 1000 Genomes Project 0.00919; ESP Exome Variant Server 0.00929; TOPMed 0.01020; 1000 Genomes Project 30x 0.01093.
gnomAD v4.1: 2,799 of 1,585,358 alleles (0.18%); highest among the groups gnomAD compares: African/African-American, 3.5%; 40 homozygotes.

Submissions (6):

Labcorp Genetics (formerly Invitae), Labcorp
Classification: Benign for Fucosidosis. Last evaluated: 2026-01-31. Review status: criteria provided, single submitter. Criteria: Invitae Variant Classification Sherloc (09022015). Collection method: clinical testing. Allele origin: germline.

Fulgent Genetics
Classification: Likely benign for Fucosidosis. Last evaluated: 2021-12-01. Review status: criteria provided, single submitter. Criteria: ACMG Guidelines, 2015. Collection method: clinical testing. Allele origin: unknown.

Mayo Clinic Laboratories, Mayo Clinic
Classification: Benign. Last evaluated: 2021-06-21. Review status: criteria provided, single submitter. Criteria: ACMG Guidelines, 2015. Collection method: clinical testing. Allele origin: germline. Observed: 9 variant alleles.

GeneDx
Classification: Likely benign. Last evaluated: 2021-05-04. Review status: criteria provided, single submitter. Criteria: GeneDx Variant Classification Process June 2021. Collection method: clinical testing. Allele origin: germline. Affected: yes.

Illumina Laboratory Services, Illumina
Classification: Likely benign for Fucosidosis. Last evaluated: 2017-04-27. Review status: criteria provided, single submitter. Criteria: ICSL Variant Classification Criteria 13 December 2019. Collection method: clinical testing. Allele origin: germline.
Comment: This variant was observed as part of a predisposition screen in an ostensibly healthy population. A literature search was performed for the gene, cDNA change, and amino acid change (where applicable). No publications were found based on this search. Allele frequency data from public databases allowed determination this variant is unlikely to cause disease. Therefore, this variant is classified as likely benign.

Breakthrough Genomics
Classification: Likely benign. Review status: criteria provided, single submitter. Criteria: ACMG Guidelines, 2015. Collection method: not provided. Allele origin: germline. Inheritance: Autosomal recessive inheritance. Affected: yes.

NM_000147.5(FUCA1):c.327G>A (p.Gln109=)

Gene: FUCA1 (alpha-L-fucosidase 1; minus strand). Cytogenetic location: 1p36.11.
Variant type: single nucleotide variant.
Coding change: c.327G>A on transcript NM_000147.5 (MANE Select); coding-DNA position 327, G replaced by A.
Protein change: p.Gln109=; no amino-acid change (glutamine 109 retained).
Molecular consequence: synonymous variant.
Genome position (GRCh38, 1-based): chr1:23,867,960, C>T on the plus strand (G>A on the coding strand, the complement: FUCA1 is on the minus strand). VCF-style: chr1-23867960-C-T. GRCh37 (hg19) VCF-style: chr1-24194450-C-T.
Other names: p.Gln109=.
Identifiers: ClinVar variation 296892 (VCV000296892.19), dbSNP rs61996281, ClinGen allele CA686584.
Genomic context (GRCh38, chr1:23,867,960, plus strand): 5'-GGCGCCCGCGGCCTGGAAGAGGTCGGCCCACTCCTCCGGGTGGAAGAAGCGCGCAGTGAA[C>T]TGCGGTCCGAAGTCGGCGTAGCTGAAGCCGGGCGGGTAGTTGTCGCGCATGAAGCGCTGG-3'
Protein context (NP_000138.2, residues 99-119): PGFSYADFGP[Gln109=]FTARFFHPEE